The following is an entry in ClinVar:

ClinVar aggregate classification (germline): Uncertain significance (1 of 4 stars; one submission).

Conditions:
Intellectual disability. Also called: Intellectual functioning disability; intellectual disabilities; Intellectual developmental disorder. Identifiers: MedGen C3714756, MeSH D008607, MONDO:0001071, HP:0001249.

Submission:

Labcorp Genetics (formerly Invitae), Labcorp
Classification: Uncertain significance for Intellectual disability. Last evaluated: 2023-07-27. Review status: criteria provided, single submitter. Criteria: Invitae Variant Classification Sherloc (09022015). Collection method: clinical testing. Allele origin: germline.
Comment: In summary, the available evidence is currently insufficient to determine the role of this variant in disease. Therefore, it has been classified as a Variant of Uncertain Significance. Advanced modeling of protein sequence and biophysical properties (such as structural, functional, and spatial information, amino acid conservation, physicochemical variation, residue mobility, and thermodynamic stability) has been performed at Invitae for this missense variant, however the output from this modeling did not meet the statistical confidence thresholds required to predict the impact of this variant on GABRB2 protein function. This variant has not been reported in the literature in individuals affected with GABRB2-related conditions. This variant is not present in population databases (gnomAD no frequency). This sequence change replaces arginine, which is basic and polar, with serine, which is neutral and polar, at codon 231 of the GABRB2 protein (p.Arg231Ser).

NM_001371727.1(GABRB2):c.693G>T (p.Arg231Ser)

Gene: GABRB2 (gamma-aminobutyric acid type A receptor subunit beta2; minus strand). Cytogenetic location: 5q34.
Variant type: single nucleotide variant.
Coding change: c.693G>T on transcript NM_001371727.1 (MANE Select); coding-DNA position 693, G replaced by T.
Protein change: p.Arg231Ser; replaces arginine 231 with serine.
Molecular consequence: missense variant.
Genome position (GRCh38, 1-based): chr5:161,334,891, C>A on the plus strand (G>T on the coding strand, the complement: GABRB2 is on the minus strand). VCF-style: chr5-161334891-C-A. GRCh37 (hg19) VCF-style: chr5-160761898-C-A.
Other names: c.693G>T, p.Arg231Ser (NM_000813.3, NM_021911.3); short protein forms R231S.
Identifiers: ClinVar variation 2747340 (VCV002747340.3), dbSNP rs2546558279, ClinGen allele CA362171783.